The following is an entry in ClinVar:

ClinVar aggregate classification (germline): Uncertain significance (1 of 4 stars; one submission).

Conditions:
Charcot-Marie-Tooth disease type 4. Also called: Charcot-Marie-Tooth, Type 4; Charcot-Marie-Tooth disease, type IV. Identifiers: Orphanet 64749, MedGen C4082197, MONDO:0018995.

Allele frequency attached by ClinVar (database versions not stated): gnomAD 0.00001; gnomAD exomes 0.00001; TOPMed below 0.00001.
gnomAD v4.1: 8 of 1,608,794 alleles (0.0005%); highest among the groups gnomAD compares: African/African-American, 0.0013%; no homozygotes.

Submission:

Labcorp Genetics (formerly Invitae), Labcorp
Classification: Uncertain significance for Charcot-Marie-Tooth disease type 4. Last evaluated: 2019-10-29. Review status: criteria provided, single submitter. Criteria: Invitae Variant Classification Sherloc (09022015). Collection method: clinical testing. Allele origin: germline.
Comment: This sequence change replaces lysine with threonine at codon 162 of the PRX protein (p.Lys162Thr). The lysine residue is highly conserved and there is a moderate physicochemical difference between lysine and threonine. In summary, the available evidence is currently insufficient to determine the role of this variant in disease. Therefore, it has been classified as a Variant of Uncertain Significance. Algorithms developed to predict the effect of missense changes on protein structure and function do not agree on the potential impact of this missense change (SIFT: "Tolerated"; PolyPhen-2: "Possibly Damaging"; Align-GVGD: "Class C0"). This variant has not been reported in the literature in individuals with PRX-related disease. This variant is not present in population databases (ExAC no frequency).

NM_181882.3(PRX):c.485A>C (p.Lys162Thr)

Gene: PRX (periaxin; minus strand). Cytogenetic location: 19q13.2.
Variant type: single nucleotide variant.
Coding change: c.485A>C on transcript NM_181882.3 (MANE Select); coding-DNA position 485, A replaced by C.
Protein change: p.Lys162Thr; replaces lysine 162 with threonine.
Molecular consequence: missense variant. On other transcripts: 3 prime UTR variant (1).
Genome position (GRCh38, 1-based): chr19:40,397,867, T>G on the plus strand (A>C on the coding strand, the complement: PRX is on the minus strand). VCF-style: chr19-40397867-T-G. GRCh37 (hg19) VCF-style: chr19-40903774-T-G.
Other names: c.*690A>C (NM_020956.2); short protein forms K162T.
Identifiers: ClinVar variation 543323 (VCV000543323.10), dbSNP rs879254072, ClinGen allele CA405900441.